The following is an entry in ClinVar:

NM_001164508.2(NEB):c.7432-1G>A

Gene: NEB (nebulin; minus strand). Cytogenetic location: 2q23.3.
Variant type: single nucleotide variant.
Coding change: c.7432-1G>A on transcript NM_001164508.2 (MANE Select); the canonical splice acceptor site of the intron before coding-DNA position 7432, G replaced by A.
Molecular consequence: splice acceptor variant.
Genome position (GRCh38, 1-based): chr2:151,646,235, C>T on the plus strand (G>A on the coding strand, the complement: NEB is on the minus strand). VCF-style: chr2-151646235-C-T. GRCh37 (hg19) VCF-style: chr2-152502749-C-T.
Other names: c.7432-1G>A (NM_004543.5, NM_001164507.2, NM_001271208.2).
Identifiers: ClinVar variation 1479910 (VCV001479910.6), dbSNP rs2154122716, ClinGen allele CA348785537.

ClinVar aggregate classification (germline): Likely pathogenic (1 of 4 stars; one submission).

Conditions:
Nemaline myopathy 2 (NEM2). Also called: Nemaline myopathy 2, autosomal recessive. Identifiers: MedGen C1850569, MONDO:0009725, OMIM 256030.

Submission:

Labcorp Genetics (formerly Invitae), Labcorp
Classification: Likely pathogenic for Nemaline myopathy 2. Last evaluated: 2021-10-03. Review status: criteria provided, single submitter. Criteria: Invitae Variant Classification Sherloc (09022015). Collection method: clinical testing. Allele origin: germline.
Comment: In summary, the currently available evidence indicates that the variant is pathogenic, but additional data are needed to prove that conclusively. Therefore, this variant has been classified as Likely Pathogenic. This sequence change affects an acceptor splice site in intron 54 of the NEB gene. It is expected to disrupt RNA splicing. Variants that disrupt the donor or acceptor splice site typically lead to a loss of protein function (PMID: 16199547), and loss-of-function variants in NEB are known to be pathogenic (PMID: 25205138). This variant is not present in population databases (ExAC no frequency). This variant has not been reported in the literature in individuals affected with NEB-related conditions. Algorithms developed to predict the effect of sequence changes on RNA splicing suggest that this variant may disrupt the consensus splice site.

Literature cited by the submitters: PubMed 16199547; PubMed 25205138.